The following is an entry in ClinVar:

ClinVar aggregate classification (germline): Uncertain significance (1 of 4 stars; one submission).

Conditions:
Legius syndrome. Identifiers: Orphanet 137605, MedGen C1969623, MONDO:0012669, OMIM 611431. Disease mechanism: loss of function.

Submission:

Labcorp Genetics (formerly Invitae), Labcorp
Classification: Uncertain significance for Legius syndrome. Last evaluated: 2025-08-31. Review status: criteria provided, single submitter. Criteria: Invitae Variant Classification Sherloc (09022015). Collection method: clinical testing. Allele origin: germline.
Comment: This sequence change replaces valine, which is neutral and non-polar, with aspartic acid, which is acidic and polar, at codon 42 of the SPRED1 protein (p.Val42Asp). This variant is not present in population databases (gnomAD no frequency). This variant has not been reported in the literature in individuals affected with SPRED1-related conditions. ClinVar contains an entry for this variant (Variation ID: 3666778). Invitae Evidence Modeling of protein sequence and biophysical properties (such as structural, functional, and spatial information, amino acid conservation, physicochemical variation, residue mobility, and thermodynamic stability) indicates that this missense variant is expected to disrupt SPRED1 protein function with a positive predictive value of 80%. In summary, the available evidence is currently insufficient to determine the role of this variant in disease. Therefore, it has been classified as a Variant of Uncertain Significance.

NM_152594.3(SPRED1):c.125T>A (p.Val42Asp)

Gene: SPRED1 (sprouty related EVH1 domain containing 1; plus strand). Cytogenetic location: 15q14.
Variant type: single nucleotide variant.
Coding change: c.125T>A on transcript NM_152594.3 (MANE Select); coding-DNA position 125, T replaced by A.
Protein change: p.Val42Asp; replaces valine 42 with aspartic acid.
Molecular consequence: missense variant.
Genome position (GRCh38, 1-based): chr15:38,299,465, T>A. VCF-style: chr15-38299465-T-A. GRCh37 (hg19) VCF-style: chr15-38591666-T-A.
Other names: short protein forms V42D.
Identifiers: ClinVar variation 3666778 (VCV003666778.2).
Genomic context (GRCh38, chr15:38,299,465, plus strand): 5'-TGACCCGAGATGACTCAAGTGGTGGATGGTTACCACTTGGAGGGAGTGGACTAAGCAGCG[T>A]CACTGTCTTCAAAGTCCCTCATCAGGAAGAGAATGGCTGTGCTGACTTTTTTATCCGTGG-3'
Protein context (NP_689807.1, residues 32-52): LPLGGSGLSS[Val42Asp]TVFKVPHQEE